The following is an entry in ClinVar:

NM_001018115.3(FANCD2):c.577A>G (p.Thr193Ala)

Genes: FANCD2 (FA complementation group D2; plus strand), LOC107303338 (3p25 FANCD2 Alu-mediated recombination region; plus strand). Cytogenetic location: 3p25.3.
Variant type: single nucleotide variant.
Coding change: c.577A>G on transcript NM_001018115.3 (MANE Select); coding-DNA position 577, A replaced by G.
Protein change: p.Thr193Ala; replaces threonine 193 with alanine.
Molecular consequence: missense variant.
Genome position (GRCh38, 1-based): chr3:10,039,727, A>G. VCF-style: chr3-10039727-A-G. GRCh37 (hg19) VCF-style: chr3-10081411-A-G.
Other names: c.577A>G (NM_033084.4); c.577A>G, p.Thr193Ala (NM_001319984.2, NM_001374253.1, NM_001374254.1 and 2 more transcripts); short protein forms T193A.
Identifiers: ClinVar variation 134328 (VCV000134328.19), dbSNP rs34936017, ClinGen allele CA159511.

ClinVar aggregate classification (germline): Benign/Likely benign. Review status: criteria provided, multiple submitters, no conflicts (2 of 4 stars). 7 submissions from 7 submitters: Benign (5); Likely benign (1). 1 of the submissions does not count toward it. Last evaluated 2026-02-04.

Conditions:
Hereditary cancer-predisposing syndrome. Also called: Tumor predisposition; Hereditary neoplastic syndrome; Neoplastic Syndromes, Hereditary; Hereditary Cancer Syndrome. Identifiers: Orphanet 140162, MedGen C0027672, MeSH D009386, MONDO:0015356.
Fanconi anemia (FA). Also called: Fanconi's anemia. Identifiers: Orphanet 84, MedGen C0015625, MeSH D005199, MONDO:0019391.
Fanconi anemia complementation group D2. Also called: FANCD2-Related Fanconi Anemia; FANCONI PANCYTOPENIA, TYPE 4; FANCONI ANEMIA, COMPLEMENTATION GROUP D. Identifiers: Orphanet 84, MedGen C3160738, MONDO:0009214, OMIM 227646.

Allele frequency attached by ClinVar (database versions not stated): gnomAD 0.00070 and 0.00215; ESP Exome Variant Server 0.00077; TOPMed 0.00117; gnomAD exomes 0.00269 and 0.00597; ExAC 0.00634; 1000 Genomes Project 30x 0.01280; 1000 Genomes Project 0.01338.
gnomAD v4.1: 4,337 of 1,614,062 alleles (0.27%); highest among the groups gnomAD compares: South Asian, 3.6%; 106 homozygotes.

Submissions (7):

Labcorp Genetics (formerly Invitae), Labcorp
Classification: Benign for Fanconi anemia. Last evaluated: 2026-02-04. Review status: criteria provided, single submitter. Criteria: Invitae Variant Classification Sherloc (09022015). Collection method: clinical testing. Allele origin: germline.

Molecular Diagnostics Laboratory, Catalan Institute of Oncology
Classification: Benign for Hereditary cancer-predisposing syndrome. Last evaluated: 2025-03-25. Review status: criteria provided, single submitter. Criteria: ACMG Guidelines, 2015. Collection method: clinical testing. Allele origin: germline.
Comment: BA1, BP4_Moderate c.577A>G located in exon 9 of the FANCD2 gene, is predicted to result in the substitution of threonine by alanine at codon 193, p.(Thr193Ala). The variant allele was found in 1110/30524 alleles (30 homozygotes), with a filter allele frequency of 3.4% at 99% confidence, within the South Asian population in the gnomAD v2.1.1 database (non-cancer data set)(BA1). The SpliceAI algorithm predicts no significant impact on splicing and the REVEL meta-predictor score for this variant (0.13) suggests that it does not affect the protein function according to Pejaver 2022 thresholds (PMID: 36413997)(BP4_Moderate). This variant has been identified in the ClinVar database (4x benign, 1x likely benign) but has not been identified in the LOVD database. Based on currently available information, the variant c.577A>G is classified as a benign variant according ACMG guidelines.

KCCC/NGS Laboratory, Kuwait Cancer Control Center
Classification: Benign for Fanconi anemia complementation group D2. Last evaluated: 2023-07-07. Review status: criteria provided, single submitter. Criteria: ACMG Guidelines, 2015. Collection method: clinical testing. Allele origin: germline. Affected: yes.

Fulgent Genetics
Classification: Likely benign for Fanconi anemia complementation group D2. Last evaluated: 2021-11-03. Review status: criteria provided, single submitter. Criteria: ACMG Guidelines, 2015. Collection method: clinical testing. Allele origin: unknown.

Illumina Laboratory Services, Illumina
Classification: Benign for Fanconi anemia complementation group D2. Last evaluated: 2018-01-12. Review status: criteria provided, single submitter. Criteria: ICSL Variant Classification Criteria 13 December 2019. Collection method: clinical testing. Allele origin: germline.
Comment: This variant was observed in the ICSL laboratory as part of a predisposition screen in an ostensibly healthy population. It had not been previously curated by ICSL or reported in the Human Gene Mutation Database (HGMD: prior to June 1st, 2018), and was therefore a candidate for classification through an automated scoring system. Utilizing variant allele frequency, disease prevalence and penetrance estimates, and inheritance mode, an automated score was calculated to assess if this variant is too frequent to cause the disease. Based on the score and internal cut-off values, a variant classified as benign is not then subjected to further curation. The score for this variant resulted in a classification of benign for this disease.

Center for Pediatric Genomic Medicine, Children's Mercy Hospital and Clinics
Classification: Benign. Last evaluated: 2015-12-23. Review status: criteria provided, single submitter. Criteria: ACMG Guidelines, 2015. Collection method: clinical testing. Allele origin: germline.

ITMI
No classification provided. Condition: AllHighlyPenetrant. Last evaluated: 2013-09-19. Review status: no classification provided. Collection method: reference population. Allele origin: germline. Not counted in ClinVar's aggregate classification.
Comment: Please see associated publication for description of ethnicities

Literature cited by the submitters: PubMed 24728327 (cited by ITMI).